The following is an entry in ClinVar:

NM_000718.4(CACNA1B):c.3643T>C (p.Phe1215Leu)

Gene: CACNA1B (calcium voltage-gated channel subunit alpha1 B; plus strand). Cytogenetic location: 9q34.3.
Variant type: single nucleotide variant.
Coding change: c.3643T>C on transcript NM_000718.4 (MANE Select); coding-DNA position 3643, T replaced by C.
Protein change: p.Phe1215Leu; replaces phenylalanine 1215 with leucine.
Molecular consequence: missense variant.
Genome position (GRCh38, 1-based): chr9:138,049,248, T>C. VCF-style: chr9-138049248-T-C. GRCh37 (hg19) VCF-style: chr9-140943700-T-C.
Other names: c.3643T>C, p.Phe1215Leu (NM_001243812.2); short protein forms F1215L.
Identifiers: ClinVar variation 1955591 (VCV001955591.2), dbSNP rs1353216908, ClinGen allele CA375812339.

ClinVar aggregate classification (germline): Uncertain significance (1 of 4 stars; one submission).

Allele frequency attached by ClinVar (database versions not stated): gnomAD exomes below 0.00001; TOPMed below 0.00001; gnomAD 0.00001.
gnomAD v4.1: 3 of 1,613,644 alleles (0.00019%); highest among the groups gnomAD compares: Non-Finnish European, 0.00025%; no homozygotes.

Submission:

Labcorp Genetics (formerly Invitae), Labcorp
Classification: Uncertain significance. Last evaluated: 2022-07-10. Review status: criteria provided, single submitter. Criteria: Invitae Variant Classification Sherloc (09022015). Collection method: clinical testing. Allele origin: germline.
Comment: This sequence change replaces phenylalanine, which is neutral and non-polar, with leucine, which is neutral and non-polar, at codon 1215 of the CACNA1B protein (p.Phe1215Leu). This variant is not present in population databases (gnomAD no frequency). This variant has not been reported in the literature in individuals affected with CACNA1B-related conditions. Algorithms developed to predict the effect of missense changes on protein structure and function (SIFT, PolyPhen-2, Align-GVGD) all suggest that this variant is likely to be tolerated. In summary, the available evidence is currently insufficient to determine the role of this variant in disease. Therefore, it has been classified as a Variant of Uncertain Significance.